The following is an entry in ClinVar:

NM_001458.5(FLNC):c.6136G>T (p.Val2046Phe)

Genes: FLNC (filamin C; plus strand), FLNC-AS1 (FLNC antisense RNA 1; minus strand). Cytogenetic location: 7q32.1.
Variant type: single nucleotide variant.
Coding change: c.6136G>T on transcript NM_001458.5 (MANE Select); coding-DNA position 6136, G replaced by T.
Protein change: p.Val2046Phe; replaces valine 2046 with phenylalanine.
Molecular consequence: missense variant.
Genome position (GRCh38, 1-based): chr7:128,852,959, G>T. VCF-style: chr7-128852959-G-T. GRCh37 (hg19) VCF-style: chr7-128493013-G-T.
Other names: c.6037G>T, p.Val2013Phe (NM_001127487.2); short protein forms V2013F, V2046F.
Identifiers: ClinVar variation 2921940 (VCV002921940.3), dbSNP rs1214876372, ClinGen allele CA369211363.
Genomic context (GRCh38, chr7:128,852,959, plus strand): 5'-AACAGCCCCTTCAAGATCCTGGTGGGGCCATCTGAGATCGGGGACGCCAGCAAGGTGCGG[G>T]TCTGGGGCAAGGGGCTTTCCGAGGGACACACATTCCAGGTGGCAGAGTTCATCGTGGACA-3'
Protein context (NP_001449.3, residues 2036-2056): SEIGDASKVR[Val2046Phe]WGKGLSEGHT

ClinVar aggregate classification (germline): Uncertain significance (1 of 4 stars; one submission).

Conditions:
Myofibrillar myopathy 5. Also called: FILAMINOPATHY, AUTOSOMAL DOMINANT; Filaminopathy (type). Identifiers: Orphanet 171445, MedGen C1836050, MONDO:0012289, OMIM 609524.
Hypertrophic cardiomyopathy 26. Also called: Cardiomyopathy, familial hypertrophic, 26. Identifiers: Orphanet 75249, MedGen C4310749, MONDO:0014883, OMIM 617047.
Distal myopathy with posterior leg and anterior hand involvement. Also called: WILLIAMS DISTAL MYOPATHY. Identifiers: Orphanet 63273, MedGen C3279722, MONDO:0013550, OMIM 614065.

Submission:

Labcorp Genetics (formerly Invitae), Labcorp
Classification: Uncertain significance for Distal myopathy with posterior leg and anterior hand involvement; Myofibrillar myopathy 5; Hypertrophic cardiomyopathy 26. Last evaluated: 2024-01-04. Review status: criteria provided, single submitter. Criteria: Invitae Variant Classification Sherloc (09022015). Collection method: clinical testing. Allele origin: germline.
Comment: This sequence change replaces valine, which is neutral and non-polar, with phenylalanine, which is neutral and non-polar, at codon 2046 of the FLNC protein (p.Val2046Phe). This variant is not present in population databases (gnomAD no frequency). This variant has not been reported in the literature in individuals affected with FLNC-related conditions. Advanced modeling of protein sequence and biophysical properties (such as structural, functional, and spatial information, amino acid conservation, physicochemical variation, residue mobility, and thermodynamic stability) has been performed at Invitae for this missense variant, however the output from this modeling did not meet the statistical confidence thresholds required to predict the impact of this variant on FLNC protein function. In summary, the available evidence is currently insufficient to determine the role of this variant in disease. Therefore, it has been classified as a Variant of Uncertain Significance.